The following is an entry in ClinVar:

ClinVar aggregate classification (germline): Conflicting classifications of pathogenicity. Review status: criteria provided, conflicting classifications (1 of 4 stars). 4 submissions from 4 submitters: Uncertain significance (3); Likely benign (1). Last evaluated 2025-03-15.

Conditions:
Bethlem myopathy 2 (BTHLM2). Identifiers: Orphanet 536516, Orphanet 610, MedGen C4225313, MONDO:0034022, OMIM 616471.
Ullrich congenital muscular dystrophy 2 (UCMD2). Identifiers: Orphanet 75840, MedGen C4225314, MONDO:0014654, OMIM 616470.

Allele frequency attached by ClinVar (database versions not stated): gnomAD exomes below 0.00001 and 0.00001; TOPMed 0.00002; gnomAD 0.00002.
gnomAD v4.1: 21 of 1,613,988 alleles (0.0013%); highest among the groups gnomAD compares: African/African-American, 0.0067%; no homozygotes.

Submissions (4):

Labcorp Genetics (formerly Invitae), Labcorp
Classification: Likely benign for Bethlem myopathy 2; Ullrich congenital muscular dystrophy 2. Last evaluated: 2025-03-15. Review status: criteria provided, single submitter. Criteria: Invitae Variant Classification Sherloc (09022015). Collection method: clinical testing. Allele origin: germline.

Revvity Omics, Revvity
Classification: Uncertain significance. Last evaluated: 2023-04-13. Review status: criteria provided, single submitter. Criteria: ACMG Guidelines, 2015. Collection method: clinical testing. Allele origin: germline.

Fulgent Genetics
Classification: Uncertain significance for Ullrich congenital muscular dystrophy 2; Bethlem myopathy 2. Last evaluated: 2022-05-02. Review status: criteria provided, single submitter. Criteria: ACMG Guidelines, 2015. Collection method: clinical testing. Allele origin: unknown.

GeneDx
Classification: Uncertain significance. Last evaluated: 2021-04-02. Review status: criteria provided, single submitter. Criteria: GeneDx Variant Classification Process June 2021. Collection method: clinical testing. Allele origin: germline. Affected: yes.
Comment: In silico analysis supports that this missense variant does not alter protein structure/function; Has not been previously published as pathogenic or benign to our knowledge

NM_004370.6(COL12A1):c.5896G>A (p.Val1966Ile)

Gene: COL12A1 (collagen type XII alpha 1 chain; minus strand). Cytogenetic location: 6q13.
Variant type: single nucleotide variant.
Coding change: c.5896G>A on transcript NM_004370.6 (MANE Select); coding-DNA position 5896, G replaced by A.
Protein change: p.Val1966Ile; replaces valine 1966 with isoleucine.
Molecular consequence: missense variant.
Genome position (GRCh38, 1-based): chr6:75,131,981, C>T on the plus strand (G>A on the coding strand, the complement: COL12A1 is on the minus strand). VCF-style: chr6-75131981-C-T. GRCh37 (hg19) VCF-style: chr6-75841697-C-T.
Other names: c.2404G>A, p.Val802Ile (NM_080645.3); short protein forms V1966I, V802I.
Identifiers: ClinVar variation 1316755 (VCV001316755.10), dbSNP rs1244436929, ClinGen allele CA364732800.